The following is an entry in ClinVar:

ClinVar aggregate classification (germline): Uncertain significance. Review status: criteria provided, multiple submitters, no conflicts (2 of 4 stars). 2 submissions from 2 submitters: Uncertain significance (2). Last evaluated 2025-06-24.

Allele frequency attached by ClinVar (database versions not stated): gnomAD exomes below 0.00001; ExAC 0.00001; gnomAD 0.00001; TOPMed 0.00001.
gnomAD v4.1: 2 of 1,611,508 alleles (0.00012%); highest among the groups gnomAD compares: Admixed American, 0.0017%; no homozygotes.

Submissions (2):

Ambry Genetics
Classification: Uncertain significance. Last evaluated: 2025-06-24. Review status: criteria provided, single submitter. Criteria: Ambry Variant Classification Scheme 2023. Collection method: clinical testing. Allele origin: germline.

Labcorp Genetics (formerly Invitae), Labcorp
Classification: Uncertain significance. Last evaluated: 2023-01-12. Review status: criteria provided, single submitter. Criteria: Invitae Variant Classification Sherloc (09022015). Collection method: clinical testing. Allele origin: germline.
Comment: In summary, the available evidence is currently insufficient to determine the role of this variant in disease. Therefore, it has been classified as a Variant of Uncertain Significance. Algorithms developed to predict the effect of missense changes on protein structure and function output the following: SIFT: "Tolerated"; PolyPhen-2: "Benign"; Align-GVGD: "Class C0". The lysine amino acid residue is found in multiple mammalian species, which suggests that this missense change does not adversely affect protein function. ClinVar contains an entry for this variant (Variation ID: 1487169). This variant has not been reported in the literature in individuals affected with IL6ST-related conditions. This variant is not present in population databases (gnomAD no frequency). This sequence change replaces methionine, which is neutral and non-polar, with lysine, which is basic and polar, at codon 438 of the IL6ST protein (p.Met438Lys).

NM_002184.4(IL6ST):c.1313T>A (p.Met438Lys)

Gene: IL6ST (interleukin 6 cytokine family signal transducer; minus strand). Cytogenetic location: 5q11.2.
Variant type: single nucleotide variant.
Coding change: c.1313T>A on transcript NM_002184.4 (MANE Select); coding-DNA position 1313, T replaced by A.
Protein change: p.Met438Lys; replaces methionine 438 with lysine.
Molecular consequence: missense variant. On other transcripts: 3 prime UTR variant (1), non-coding transcript variant (2), intron variant (1).
Genome position (GRCh38, 1-based): chr5:55,954,947, A>T on the plus strand (T>A on the coding strand, the complement: IL6ST is on the minus strand). VCF-style: chr5-55954947-A-T. GRCh37 (hg19) VCF-style: chr5-55250775-A-T.
Other names: c.1313T>A, p.Met438Lys (NM_001364275.2); c.1103T>A, p.Met368Lys (NM_001364276.2); c.446T>A, p.Met149Lys (NM_001364277.2); c.410T>A, p.Met137Lys (NM_001364278.2); c.317T>A, p.Met106Lys (NM_001364279.2); c.*240T>A (NM_175767.3); c.1267+1078T>A (NM_001190981.2); c.1313T>A (NM_002184.3); short protein forms M137K, M368K, M438K, M106K, M149K.
Identifiers: ClinVar variation 1487169 (VCV001487169.9), dbSNP rs753640809, ClinGen allele CA3271447.